The following is an entry in ClinVar:

ClinVar aggregate classification (germline): Uncertain significance (1 of 4 stars; one submission).

Allele frequency attached by ClinVar (database versions not stated): TOPMed below 0.00001; gnomAD 0.00001; 1000 Genomes Project 30x 0.00016.
gnomAD v4.1: 1 of 1,613,984 alleles (0.000062%); highest among the groups gnomAD compares: Non-Finnish European, 0.000085%; no homozygotes.

Submission:

Labcorp Genetics (formerly Invitae), Labcorp
Classification: Uncertain significance. Last evaluated: 2023-03-22. Review status: criteria provided, single submitter. Criteria: Invitae Variant Classification Sherloc (09022015). Collection method: clinical testing. Allele origin: germline.
Comment: In summary, the available evidence is currently insufficient to determine the role of this variant in disease. Therefore, it has been classified as a Variant of Uncertain Significance. This sequence change replaces glutamine, which is neutral and polar, with arginine, which is basic and polar, at codon 397 of the EMC1 protein (p.Gln397Arg). This variant is not present in population databases (gnomAD no frequency). This variant has not been reported in the literature in individuals affected with EMC1-related conditions. ClinVar contains an entry for this variant (Variation ID: 1721050). Advanced modeling of protein sequence and biophysical properties (such as structural, functional, and spatial information, amino acid conservation, physicochemical variation, residue mobility, and thermodynamic stability) performed at Invitae indicates that this missense variant is not expected to disrupt EMC1 protein function.

NM_015047.3(EMC1):c.1190A>G (p.Gln397Arg)

Genes: EMC1 (ER membrane protein complex subunit 1; minus strand), EMC1-AS1 (EMC1 antisense RNA 1; plus strand). Cytogenetic location: 1p36.13.
Variant type: single nucleotide variant.
Coding change: c.1190A>G on transcript NM_015047.3 (MANE Select); coding-DNA position 1190, A replaced by G.
Protein change: p.Gln397Arg; replaces glutamine 397 with arginine.
Molecular consequence: missense variant.
Genome position (GRCh38, 1-based): chr1:19,238,039, T>C on the plus strand (A>G on the coding strand, the complement: EMC1 is on the minus strand). VCF-style: chr1-19238039-T-C. GRCh37 (hg19) VCF-style: chr1-19564533-T-C.
Other names: c.1187A>G, p.Gln396Arg (NM_001271427.2, NM_001375821.1); c.1190A>G, p.Gln397Arg (NM_001271428.2, NM_001375820.1); c.1124A>G, p.Gln375Arg (NM_001271429.2); short protein forms Q375R, Q396R, Q397R.
Identifiers: ClinVar variation 1721050 (VCV001721050.5), dbSNP rs2093579036, ClinGen allele CA338766187.
Genomic context (GRCh38, chr1:19,238,039, plus strand): 5'-GCCCACAGGACAGTCTGCAAAGAAAGGCTCTGCCTTACCCGCTCAGGCCGAGTGCCGCTC[T>C]GTTCCAGGCTAAATGTTATCGTGGTGTCCAGCAGCCGCCGACCTGTCTCCACGAGGTATA-3'
Protein context (NP_055862.1, residues 387-407): LDTTITFSLE[Gln397Arg]SGTRPERLYI